The following is an entry in ClinVar:

NM_022916.6(VPS33A):c.1297C>A (p.Leu433Ile)

Gene: VPS33A (VPS33A core subunit of CORVET and HOPS complexes; minus strand). Cytogenetic location: 12q24.31.
Variant type: single nucleotide variant.
Coding change: c.1297C>A on transcript NM_022916.6 (MANE Select); coding-DNA position 1297, C replaced by A.
Protein change: p.Leu433Ile; replaces leucine 433 with isoleucine.
Molecular consequence: missense variant.
Genome position (GRCh38, 1-based): chr12:122,238,592, G>T on the plus strand (C>A on the coding strand, the complement: VPS33A is on the minus strand). VCF-style: chr12-122238592-G-T. GRCh37 (hg19) VCF-style: chr12-122723139-G-T.
Other names: c.1264C>A, p.Leu422Ile (NM_001351018.2); c.1249C>A, p.Leu417Ile (NM_001351019.2); c.976C>A, p.Leu326Ile (NM_001351020.2); short protein forms L433I, L326I, L417I, L422I.
Identifiers: ClinVar variation 1382524 (VCV001382524.6), dbSNP rs376097037, ClinGen allele CA6844366.

ClinVar aggregate classification (germline): Uncertain significance (1 of 4 stars; one submission).

Allele frequency attached by ClinVar (database versions not stated): ExAC 0.00001; TOPMed 0.00001; gnomAD exomes 0.00002 and 0.00004; gnomAD 0.00004; ESP Exome Variant Server 0.00008.
gnomAD v4.1: 61 of 1,604,748 alleles (0.0038%); highest among the groups gnomAD compares: Middle Eastern, 0.033%; no homozygotes.

Submission:

Labcorp Genetics (formerly Invitae), Labcorp
Classification: Uncertain significance. Last evaluated: 2023-10-03. Review status: criteria provided, single submitter. Criteria: Invitae Variant Classification Sherloc (09022015). Collection method: clinical testing. Allele origin: germline.
Comment: This sequence change replaces leucine, which is neutral and non-polar, with isoleucine, which is neutral and non-polar, at codon 433 of the VPS33A protein (p.Leu433Ile). This variant is present in population databases (rs376097037, gnomAD 0.003%). This variant has not been reported in the literature in individuals affected with VPS33A-related conditions. ClinVar contains an entry for this variant (Variation ID: 1382524). An algorithm developed to predict the effect of missense changes on protein structure and function (PolyPhen-2) suggests that this variant is likely to be tolerated. In summary, the available evidence is currently insufficient to determine the role of this variant in disease. Therefore, it has been classified as a Variant of Uncertain Significance.